The following is an entry in ClinVar:

ClinVar aggregate classification (germline): Uncertain significance (1 of 4 stars; one submission).

Allele frequency attached by ClinVar (database versions not stated): gnomAD exomes below 0.00001.

Submission:

Labcorp Genetics (formerly Invitae), Labcorp
Classification: Uncertain significance. Last evaluated: 2026-01-26. Review status: criteria provided, single submitter. Criteria: Invitae Variant Classification Sherloc (09022015). Collection method: clinical testing. Allele origin: germline.
Comment: This sequence change replaces valine, which is neutral and non-polar, with alanine, which is neutral and non-polar, at codon 141 of the NDUFAF3 protein (p.Val141Ala). This variant is present in population databases (no rsID available, gnomAD 0.003%). This variant has not been reported in the literature in individuals affected with NDUFAF3-related conditions. ClinVar contains an entry for this variant (Variation ID: 2019516). An algorithm developed to predict the effect of missense changes on protein structure and function (PolyPhen-2) suggests that this variant is likely to be tolerated. In summary, the available evidence is currently insufficient to determine the role of this variant in disease. Therefore, it has been classified as a Variant of Uncertain Significance.

NM_199069.2(NDUFAF3):c.422T>C (p.Val141Ala)

Gene: NDUFAF3 (NADH:ubiquinone oxidoreductase complex assembly factor 3; plus strand). Cytogenetic location: 3p21.31.
Variant type: single nucleotide variant.
Coding change: c.422T>C on transcript NM_199069.2 (MANE Select); coding-DNA position 422, T replaced by C.
Protein change: p.Val141Ala; replaces valine 141 with alanine.
Molecular consequence: missense variant.
Genome position (GRCh38, 1-based): chr3:49,022,960, T>C. VCF-style: chr3-49022960-T-C. GRCh37 (hg19) VCF-style: chr3-49060393-T-C.
Other names: c.251T>C, p.Val84Ala (NM_199070.2, NM_199073.2, NM_199074.2); short protein forms V141A, V84A.
Identifiers: ClinVar variation 2019516 (VCV002019516.4), dbSNP rs989223287, ClinGen allele CA74015057.